The following is an entry in ClinVar:

ClinVar aggregate classification (germline): Likely pathogenic (1 of 4 stars; one submission).

Conditions:
Autosomal recessive limb-girdle muscular dystrophy type 2J (LGMDR10). Also called: Limb-girdle muscular dystrophy, type 2J; MUSCULAR DYSTROPHY, LIMB-GIRDLE, AUTOSOMAL RECESSIVE 10. Identifiers: Orphanet 140922, MedGen C1837342, MONDO:0012127, OMIM 608807.
Dilated cardiomyopathy 1G (CMD1G). Identifiers: Orphanet 154, MedGen C1858763, MONDO:0011400, OMIM 604145.

Submission:

Labcorp Genetics (formerly Invitae), Labcorp
Classification: Likely pathogenic for Dilated cardiomyopathy 1G; Autosomal recessive limb-girdle muscular dystrophy type 2J. Last evaluated: 2025-11-28. Review status: criteria provided, single submitter. Criteria: Invitae Variant Classification Sherloc (09022015). Collection method: clinical testing. Allele origin: germline.
Comment: This sequence change creates a premature translational stop signal (p.Gln32809*) in the TTN gene. While this is not anticipated to result in nonsense mediated decay, it is expected to create a truncated TTN protein. This variant is not present in population databases (gnomAD no frequency). This variant has not been reported in the literature in individuals affected with TTN-related conditions. This variant is located in the A band of TTN (PMID: 25589632). Truncating variants in this region are significantly overrepresented in patients affected with dilated cardiomyopathy (PMID: 25589632). Truncating variants in this region have also been reported in individuals affected with autosomal recessive centronuclear myopathy (PMID: 23975875). In summary, the currently available evidence indicates that the variant is pathogenic, but additional data are needed to prove that conclusively. Therefore, this variant has been classified as Likely Pathogenic.

Literature cited by the submitters: PubMed 25589632; PubMed 23975875.

NM_001267550.2(TTN):c.98425C>T (p.Gln32809Ter)

Genes: TTN-AS1 (TTN antisense RNA 1; plus strand), TTN (titin; minus strand). Cytogenetic location: 2q31.2.
Variant type: single nucleotide variant.
Coding change: c.98425C>T on transcript NM_001267550.2 (MANE Select); coding-DNA position 98425, C replaced by T.
Protein change: p.Gln32809Ter; replaces glutamine 32809 with a stop codon.
Molecular consequence: nonsense. On other transcripts: non-coding transcript variant (1).
Genome position (GRCh38, 1-based): chr2:178,539,640, G>A on the plus strand (C>T on the coding strand, the complement: TTN is on the minus strand). VCF-style: chr2-178539640-G-A. GRCh37 (hg19) VCF-style: chr2-179404367-G-A.
Other names: c.93502C>T, p.Gln31168Ter (NM_001256850.1); c.71230C>T, p.Gln23744Ter (NM_003319.4); c.90721C>T, p.Gln30241Ter (NM_133378.4); c.71605C>T, p.Gln23869Ter (NM_133432.3); c.71806C>T, p.Gln23936Ter (NM_133437.4); short protein forms Q32809*, Q23744*, Q30241*, Q31168*, Q23869*, Q23936*.
Identifiers: ClinVar variation 4786787 (VCV004786787.1).
Genomic context (GRCh38, chr2:178,539,640, plus strand): 5'-AGATGTCAGCACCACCATCATCAGCAGGAGGTCTCCAGCTGACCCTCACAGAGCGGACTT[G>A]GATGTCATCATATTCCAGTGGCCCTTCTGGACTGTTGGGACTTCCTATCACCCTGACCTT-3'